The following is an entry in ClinVar:

ClinVar aggregate classification (germline): Uncertain significance (1 of 4 stars; one submission).

Conditions:
Hereditary hemorrhagic telangiectasia (HHT). Also called: ORW DISEASE; Osler Weber Rendu syndrome; OSLER-RENDU-WEBER DISEASE; Osler hemorrhagic telangiectasia syndrome. Identifiers: Orphanet 774, MedGen C0039445, MONDO:0019180. Disease mechanism: loss of function.

Submission:

Labcorp Genetics (formerly Invitae), Labcorp
Classification: Uncertain significance for Hereditary hemorrhagic telangiectasia. Last evaluated: 2022-05-12. Review status: criteria provided, single submitter. Criteria: Invitae Variant Classification Sherloc (09022015). Collection method: clinical testing. Allele origin: germline.
Comment: This variant has not been reported in the literature in individuals affected with ENG-related conditions. This variant is not present in population databases (gnomAD no frequency). This sequence change replaces glutamine, which is neutral and polar, with histidine, which is basic and polar, at codon 145 of the ENG protein (p.Gln145His). In summary, the available evidence is currently insufficient to determine the role of this variant in disease. Therefore, it has been classified as a Variant of Uncertain Significance. Advanced modeling of protein sequence and biophysical properties (such as structural, functional, and spatial information, amino acid conservation, physicochemical variation, residue mobility, and thermodynamic stability) performed at Invitae indicates that this missense variant is not expected to disrupt ENG protein function.

NM_001114753.3(ENG):c.435G>C (p.Gln145His)

Gene: ENG (endoglin; minus strand). Cytogenetic location: 9q34.11.
Variant type: single nucleotide variant.
Coding change: c.435G>C on transcript NM_001114753.3 (MANE Select); coding-DNA position 435, G replaced by C.
Protein change: p.Gln145His; replaces glutamine 145 with histidine.
Molecular consequence: missense variant. On other transcripts: 5 prime UTR variant (1).
Genome position (GRCh38, 1-based): chr9:127,826,598, C>G on the plus strand (G>C on the coding strand, the complement: ENG is on the minus strand). VCF-style: chr9-127826598-C-G. GRCh37 (hg19) VCF-style: chr9-130588877-C-G.
Other names: c.435G>C, p.Gln145His (NM_000118.4, NM_001406715.1); c.-112G>C (NM_001278138.2); short protein forms Q145H.
Identifiers: ClinVar variation 2055771 (VCV002055771.4), dbSNP rs2539077912, ClinGen allele CA374984278.